The following is an entry in ClinVar:

ClinVar aggregate classification (germline): Pathogenic (1 of 4 stars; one submission).

Submission:

Labcorp Genetics (formerly Invitae), Labcorp
Classification: Pathogenic. Last evaluated: 2024-02-21. Review status: criteria provided, single submitter. Criteria: Invitae Variant Classification Sherloc (09022015). Collection method: clinical testing. Allele origin: germline.
Comment: This sequence change creates a premature translational stop signal (p.Gln341*) in the EIF2AK4 gene. It is expected to result in an absent or disrupted protein product. Loss-of-function variants in EIF2AK4 are known to be pathogenic (PMID: 12215525, 24135949, 24292273, 24310610, 28972005, 29743074). This variant is not present in population databases (gnomAD no frequency). This premature translational stop signal has been observed in individual(s) with pulmonary veno-occlusive disease (PMID: 36653758). For these reasons, this variant has been classified as Pathogenic.

Literature cited by the submitters: PubMed 12215525; PubMed 24135949; PubMed 24292273; PubMed 24310610; PubMed 28972005; PubMed 29743074; PubMed 36653758.

NM_001013703.4(EIF2AK4):c.1021C>T (p.Gln341Ter)

Gene: EIF2AK4 (eukaryotic translation initiation factor 2 alpha kinase 4; plus strand). Cytogenetic location: 15q15.1.
Variant type: single nucleotide variant.
Coding change: c.1021C>T on transcript NM_001013703.4 (MANE Select); coding-DNA position 1021, C replaced by T.
Protein change: p.Gln341Ter; replaces glutamine 341 with a stop codon.
Molecular consequence: nonsense.
Genome position (GRCh38, 1-based): chr15:39,967,347, C>T. VCF-style: chr15-39967347-C-T. GRCh37 (hg19) VCF-style: chr15-40259548-C-T.
Other names: short protein forms Q341*.
Identifiers: ClinVar variation 3697511 (VCV003697511.2).